The following is an entry in ClinVar:

NM_138615.3(DHX30):c.245C>T (p.Pro82Leu)

Gene: DHX30 (DExH-box helicase 30; plus strand). Cytogenetic location: 3p21.31.
Variant type: single nucleotide variant.
Coding change: c.245C>T on transcript NM_138615.3 (MANE Select); coding-DNA position 245, C replaced by T.
Protein change: p.Pro82Leu; replaces proline 82 with leucine.
Molecular consequence: missense variant.
Genome position (GRCh38, 1-based): chr3:47,827,467, C>T. VCF-style: chr3-47827467-C-T. GRCh37 (hg19) VCF-style: chr3-47868957-C-T.
Other names: c.161C>T, p.Pro54Leu (NM_001330990.2); c.128C>T, p.Pro43Leu (NM_014966.4); short protein forms P43L, P54L, P82L.
Identifiers: ClinVar variation 1066052 (VCV001066052.6), dbSNP rs769576678, ClinGen allele CA2369649.
Genomic context (GRCh38, chr3:47,827,467, plus strand): 5'-GAAGAGCCCTCGGCATCTCACATGCAAAAGACAAACTAGTCTACGTGCACACAAATGGAC[C>T]GAAGAAAAAGGTAACTCTGCTGGTGGCAAGGAAAAACATTGGTATGACTCAGAAAGGAGG-3'
Protein context (NP_619520.1, residues 72-92): DKLVYVHTNG[Pro82Leu]KKKKVTLHIK

ClinVar aggregate classification (germline): Conflicting classifications of pathogenicity. Review status: criteria provided, conflicting classifications (1 of 4 stars). 2 submissions from 2 submitters: Likely pathogenic (1); Uncertain significance (1). Last evaluated 2020-10-04.

Conditions:
Neurodevelopmental disorder with severe motor impairment and absent language. Also called: NEURODEVELOPMENTAL DISORDER WITH VARIABLE MOTOR AND LANGUAGE IMPAIRMENT. Identifiers: Orphanet 647788, MedGen C4540496, MONDO:0060622, OMIM 617804.

Allele frequency attached by ClinVar (database versions not stated): gnomAD exomes below 0.00001; ExAC 0.00001.
gnomAD v4.1: 5 of 1,610,068 alleles (0.00031%); highest among the groups gnomAD compares: South Asian, 0.0044%; no homozygotes.

Submissions (2):

Labcorp Genetics (formerly Invitae), Labcorp
Classification: Likely pathogenic. Last evaluated: 2020-10-04. Review status: criteria provided, single submitter. Criteria: Invitae Variant Classification Sherloc (09022015). Collection method: clinical testing. Allele origin: germline.
Comment: This variant is present in population databases (rs769576678, ExAC 0.006%). This variant has been observed in individual(s) with clinical features of DHX30-related neurodevelopmental condition (Invitae). In at least one individual the variant was observed to be de novo. This sequence change replaces proline with leucine at codon 82 of the DHX30 protein (p.Pro82Leu). The proline residue is highly conserved and there is a moderate physicochemical difference between proline and leucine. In summary, the currently available evidence indicates that the variant is pathogenic, but additional data are needed to prove that conclusively. Therefore, this variant has been classified as Likely Pathogenic. Algorithms developed to predict the effect of missense changes on protein structure and function are either unavailable or do not agree on the potential impact of this missense change (SIFT: "Deleterious"; PolyPhen-2: "Benign"; Align-GVGD: "Class C0").

Neuberg Centre For Genomic Medicine, NCGM
Classification: Uncertain significance for Neurodevelopmental disorder with severe motor impairment and absent language. Review status: criteria provided, single submitter. Criteria: ACMG Guidelines, 2015. Collection method: clinical testing. Allele origin: germline. Inheritance: Autosomal dominant inheritance. Affected: yes.